The following is an entry in ClinVar:

NM_030665.4(RAI1):c.2521A>C (p.Ser841Arg)

Gene: RAI1 (retinoic acid induced 1; plus strand). Cytogenetic location: 17p11.2.
Variant type: single nucleotide variant.
Coding change: c.2521A>C on transcript NM_030665.4 (MANE Select); coding-DNA position 2521, A replaced by C.
Protein change: p.Ser841Arg; replaces serine 841 with arginine.
Molecular consequence: missense variant.
Genome position (GRCh38, 1-based): chr17:17,795,469, A>C. VCF-style: chr17-17795469-A-C. GRCh37 (hg19) VCF-style: chr17-17698783-A-C.
Other names: short protein forms S841R.
Identifiers: ClinVar variation 2846373 (VCV002846373.3), dbSNP rs2508582033, ClinGen allele CA398551425.

ClinVar aggregate classification (germline): Uncertain significance (1 of 4 stars; one submission).

Submission:

Labcorp Genetics (formerly Invitae), Labcorp
Classification: Uncertain significance. Last evaluated: 2023-04-26. Review status: criteria provided, single submitter. Criteria: Invitae Variant Classification Sherloc (09022015). Collection method: clinical testing. Allele origin: germline.
Comment: This sequence change replaces serine, which is neutral and polar, with arginine, which is basic and polar, at codon 841 of the RAI1 protein (p.Ser841Arg). In summary, the available evidence is currently insufficient to determine the role of this variant in disease. Therefore, it has been classified as a Variant of Uncertain Significance. An algorithm developed to predict the effect of missense changes on protein structure and function (PolyPhen-2) suggests that this variant is likely to be tolerated. This variant has not been reported in the literature in individuals affected with RAI1-related conditions. This variant is not present in population databases (gnomAD no frequency).